The following is an entry in ClinVar:

NM_000246.4(CIITA):c.2682G>A (p.Ala894=)

Gene: CIITA (class II major histocompatibility complex transactivator; plus strand). Cytogenetic location: 16p13.13.
Variant type: single nucleotide variant.
Coding change: c.2682G>A on transcript NM_000246.4 (MANE Select); coding-DNA position 2682, G replaced by A.
Protein change: p.Ala894=; no amino-acid change (alanine 894 retained).
Molecular consequence: synonymous variant.
Genome position (GRCh38, 1-based): chr16:10,909,053, G>A. VCF-style: chr16-10909053-G-A. GRCh37 (hg19) VCF-style: chr16-11002910-G-A.
Other names: c.2685G>A, p.Ala895= (NM_001286402.1, NM_001379332.1); c.930G>A, p.Ala310= (NM_001286403.2); c.2538G>A, p.Ala846= (NM_001379330.1); c.2535G>A, p.Ala845= (NM_001379331.1); c.2682G>A, p.Ala894= (NM_001379333.1); c.2613G>A, p.Ala871= (NM_001379334.1).
Identifiers: ClinVar variation 715370 (VCV000715370.52), dbSNP rs148091568, ClinGen allele CA7900467.

ClinVar aggregate classification (germline): Benign/Likely benign. Review status: criteria provided, multiple submitters, no conflicts (2 of 4 stars). 7 submissions from 7 submitters: Benign (2); Likely benign (4). 1 of the submissions does not count toward it. Last evaluated 2026-03-30.

Conditions:
MHC class II deficiency. Also called: BLS, TYPE II; Bare lymphocyte syndrome 2. Identifiers: Orphanet 572, MedGen C5447452, MONDO:0008855.

Allele frequency attached by ClinVar (database versions not stated): ESP Exome Variant Server 0.00062; gnomAD 0.00064; TOPMed 0.00072; 1000 Genomes Project 30x 0.00078; 1000 Genomes Project 0.00100.
gnomAD v4.1: 534 of 1,614,186 alleles (0.033%); highest among the groups gnomAD compares: East Asian, 0.37%; 1 homozygote.

Submissions (7):

Women's Health and Genetics/Laboratory Corporation of America, LabCorp
Classification: Likely benign. Last evaluated: 2026-03-30. Review status: criteria provided, single submitter. Criteria: LabCorp Variant Classification Summary - May 2015. Collection method: clinical testing. Allele origin: germline.

Labcorp Genetics (formerly Invitae), Labcorp
Classification: Benign for MHC class II deficiency. Last evaluated: 2026-01-22. Review status: criteria provided, single submitter. Criteria: Invitae Variant Classification Sherloc (09022015). Collection method: clinical testing. Allele origin: germline.

Blueprint Genetics
Classification: Likely benign. Last evaluated: 2024-11-27. Review status: criteria provided, single submitter. Criteria: ACMG Guidelines, 2015. Collection method: clinical testing. Allele origin: germline.

CeGaT Center for Human Genetics Tuebingen
Classification: Likely benign. Last evaluated: 2021-03-01. Review status: criteria provided, single submitter. Criteria: CeGaT Center For Human Genetics Tuebingen Variant Classification Criteria Version 2. Collection method: clinical testing. Allele origin: germline. Affected: yes. Observed: 1 variant allele.

Illumina Laboratory Services, Illumina
Classification: Benign for MHC class II deficiency 1. Last evaluated: 2018-03-12. Review status: criteria provided, single submitter. Criteria: ICSL Variant Classification Criteria 13 December 2019. Collection method: clinical testing. Allele origin: germline.
Comment: This variant was observed in the ICSL laboratory as part of a predisposition screen in an ostensibly healthy population. It had not been previously curated by ICSL or reported in the Human Gene Mutation Database (HGMD: prior to June 1st, 2018), and was therefore a candidate for classification through an automated scoring system. Utilizing variant allele frequency, disease prevalence and penetrance estimates, and inheritance mode, an automated score was calculated to assess if this variant is too frequent to cause the disease. Based on the score and internal cut-off values, a variant classified as benign is not then subjected to further curation. The score for this variant resulted in a classification of benign for this disease.

Breakthrough Genomics
Classification: Likely benign. Review status: criteria provided, single submitter. Criteria: ACMG Guidelines, 2015. Collection method: not provided. Allele origin: germline. Inheritance: Autosomal recessive inheritance. Affected: yes.

Natera, Inc.
Classification: Benign for Bare lymphocyte syndrome type II. Last evaluated: 2020-04-24. Review status: no assertion criteria provided. Collection method: clinical testing. Allele origin: germline. Not counted in ClinVar's aggregate classification.